The following is an entry in ClinVar:

ClinVar aggregate classification (germline): Likely benign (1 of 4 stars; one submission).

Allele frequency attached by ClinVar (database versions not stated): 1000 Genomes Project 0.00060; 1000 Genomes Project 30x 0.00078; TOPMed 0.00309; gnomAD 0.00350; ExAC 0.00378; gnomAD exomes 0.00379; ESP Exome Variant Server 0.00439.
gnomAD v4.1: 6,013 of 1,614,094 alleles (0.37%); highest among the groups gnomAD compares: Non-Finnish European, 0.44%; 17 homozygotes.

Submission:

CeGaT Center for Human Genetics Tuebingen
Classification: Likely benign. Last evaluated: 2025-08-01. Review status: criteria provided, single submitter. Criteria: CeGaT Center For Human Genetics Tuebingen Variant Classification Criteria Version 2. Collection method: clinical testing. Allele origin: germline. Affected: yes. Observed: 4 variant alleles.
Comment: HAPLN3: BS2

NM_178232.4(HAPLN3):c.316G>A (p.Gly106Arg)

Gene: HAPLN3 (hyaluronan and proteoglycan link protein 3; minus strand). Cytogenetic location: 15q26.1.
Variant type: single nucleotide variant.
Coding change: c.316G>A on transcript NM_178232.4 (MANE Select); coding-DNA position 316, G replaced by A.
Protein change: p.Gly106Arg; replaces glycine 106 with arginine.
Molecular consequence: missense variant.
Genome position (GRCh38, 1-based): chr15:88,881,534, C>T on the plus strand (G>A on the coding strand, the complement: HAPLN3 is on the minus strand). VCF-style: chr15-88881534-C-T. GRCh37 (hg19) VCF-style: chr15-89424765-C-T.
Other names: c.502G>A, p.Gly168Arg (NM_001307952.2); short protein forms G106R, G168R.
Identifiers: ClinVar variation 2645678 (VCV002645678.24), dbSNP rs140982817, ClinGen allele CA7721098.